The following is an entry in ClinVar:

NM_017950.4(CCDC40):c.627G>C (p.Gly209=)

Gene: CCDC40 (coiled-coil domain 40 molecular ruler complex subunit; plus strand). Cytogenetic location: 17q25.3.
Variant type: single nucleotide variant.
Coding change: c.627G>C on transcript NM_017950.4 (MANE Select); coding-DNA position 627, G replaced by C.
Protein change: p.Gly209=; no amino-acid change (glycine 209 retained).
Molecular consequence: synonymous variant.
Genome position (GRCh38, 1-based): chr17:80,047,353, G>C. VCF-style: chr17-80047353-G-C. GRCh37 (hg19) VCF-style: chr17-78021152-G-C.
Other names: c.627G>C, p.Gly209= (NM_001243342.2, NM_001330508.2).
Identifiers: ClinVar variation 767623 (VCV000767623.26), dbSNP rs758242176, ClinGen allele CA8813507.
Genomic context (GRCh38, chr17:80,047,353, plus strand): 5'-GGAGCCCCAGGGGCAGGTGCTCCCAATGGGCGTCCAGCACCGCTTCCGGCTGAGCCACGG[G>C]AGCGACATCGAGTCCTCAGACCTGGAGGAGTTCGTCTCGCAGGAGCCAGGTGCCACCCAC-3'
Protein context (NP_060420.2, residues 199-219): GVQHRFRLSH[Gly209=]SDIESSDLEE

ClinVar aggregate classification (germline): Likely benign. Review status: criteria provided, multiple submitters, no conflicts (2 of 4 stars). 3 submissions from 3 submitters: Likely benign (3). Last evaluated 2025-12-15.

Conditions:
Primary ciliary dyskinesia. Also called: Ciliary dyskinesia. Identifiers: Orphanet 244, MedGen C0008780, MONDO:0016575, HP:0012265.

Allele frequency attached by ClinVar (database versions not stated): gnomAD 0.00001; ExAC 0.00003; gnomAD exomes 0.00003; TOPMed 0.00003.
gnomAD v4.1: 83 of 1,613,632 alleles (0.0051%); highest among the groups gnomAD compares: Admixed American, 0.012%; no homozygotes.

Submissions (3):

Labcorp Genetics (formerly Invitae), Labcorp
Classification: Likely benign for Primary ciliary dyskinesia. Last evaluated: 2025-12-15. Review status: criteria provided, single submitter. Criteria: Invitae Variant Classification Sherloc (09022015). Collection method: clinical testing. Allele origin: germline.

CeGaT Center for Human Genetics Tuebingen
Classification: Likely benign. Last evaluated: 2024-07-01. Review status: criteria provided, single submitter. Criteria: CeGaT Center For Human Genetics Tuebingen Variant Classification Criteria Version 2. Collection method: clinical testing. Allele origin: germline. Affected: yes. Observed: 1 variant allele.
Comment: CCDC40: BP4, BP7

Breakthrough Genomics
Classification: Likely benign. Review status: criteria provided, single submitter. Criteria: ACMG Guidelines, 2015. Collection method: not provided. Allele origin: germline. Inheritance: Autosomal recessive inheritance. Affected: yes.